The following is an entry in ClinVar:

NM_001845.6(COL4A1):c.3983A>G (p.Lys1328Arg)

Gene: COL4A1 (collagen type IV alpha 1 chain; minus strand). Cytogenetic location: 13q34.
Variant type: single nucleotide variant.
Coding change: c.3983A>G on transcript NM_001845.6 (MANE Select); coding-DNA position 3983, A replaced by G.
Protein change: p.Lys1328Arg; replaces lysine 1328 with arginine.
Molecular consequence: missense variant.
Genome position (GRCh38, 1-based): chr13:110,166,270, T>C on the plus strand (A>G on the coding strand, the complement: COL4A1 is on the minus strand). VCF-style: chr13-110166270-T-C. GRCh37 (hg19) VCF-style: chr13-110818617-T-C.
Other names: short protein forms K1328R.
Identifiers: ClinVar variation 2643936 (VCV002643936.24), dbSNP rs2501749816, ClinGen allele CA388660603.

ClinVar aggregate classification (germline): Uncertain significance (1 of 4 stars; one submission).

Submission:

CeGaT Center for Human Genetics Tuebingen
Classification: Uncertain significance. Last evaluated: 2023-06-01. Review status: criteria provided, single submitter. Criteria: CeGaT Center For Human Genetics Tuebingen Variant Classification Criteria Version 2. Collection method: clinical testing. Allele origin: germline. Affected: yes. Observed: 1 variant allele.
Comment: COL4A1: PM2, PS2:Supporting